The following is an entry in ClinVar:

ClinVar aggregate classification (germline): Uncertain significance. Review status: criteria provided, multiple submitters, no conflicts (2 of 4 stars). 5 submissions from 5 submitters: Uncertain significance (4). 1 of the submissions does not count toward it. Last evaluated 2026-06-30.

Conditions:
IMPG1-related disorder. Also called: IMPG1-related condition.
Retinal dystrophy. Also called: Inherited retinal dystrophy. Identifiers: Orphanet 71862, MedGen C0854723, MeSH D058499, MONDO:0019118, HP:0000556.

Allele frequency attached by ClinVar (database versions not stated): gnomAD 0.00001; TOPMed 0.00001; gnomAD exomes 0.00003; ExAC 0.00005.
gnomAD v4.1: 26 of 1,613,112 alleles (0.0016%); highest among the groups gnomAD compares: Non-Finnish European, 0.0019%; no homozygotes.

Submissions (5):

PreventionGenetics, part of Exact Sciences
Classification: Uncertain significance for IMPG1-related condition. Last evaluated: 2026-06-30. Review status: criteria provided, single submitter. Criteria: ACMG Guidelines, 2015. Collection method: clinical testing. Allele origin: germline.
Comment: The IMPG1 c.802C>A variant is predicted to result in the amino acid substitution p.Leu268Ile. To our knowledge, this variant has not been reported in the literature. This variant is reported in 0.0046% of alleles in individuals of European (Finnish) descent in gnomAD. At this time, the clinical significance of this variant is uncertain due to the absence of conclusive functional and genetic evidence.

Labcorp Genetics (formerly Invitae), Labcorp
Classification: Uncertain significance. Last evaluated: 2025-11-28. Review status: criteria provided, single submitter. Criteria: Invitae Variant Classification Sherloc (09022015). Collection method: clinical testing. Allele origin: germline.
Comment: This sequence change replaces leucine, which is neutral and non-polar, with isoleucine, which is neutral and non-polar, at codon 268 of the IMPG1 protein (p.Leu268Ile). This variant is present in population databases (rs756720530, gnomAD 0.005%). This variant has not been reported in the literature in individuals affected with IMPG1-related conditions. ClinVar contains an entry for this variant (Variation ID: 959966). An algorithm developed to predict the effect of missense changes on protein structure and function outputs the following: PolyPhen-2: "Benign". The isoleucine amino acid residue is found in multiple mammalian species, which suggests that this missense change does not adversely affect protein function. In summary, the available evidence is currently insufficient to determine the role of this variant in disease. Therefore, it has been classified as a Variant of Uncertain Significance.

Ambry Genetics
Classification: Uncertain significance. Last evaluated: 2025-09-05. Review status: criteria provided, single submitter. Criteria: Ambry Variant Classification Scheme 2023. Collection method: clinical testing. Allele origin: germline.

Blueprint Genetics
Classification: Uncertain significance. Last evaluated: 2023-10-12. Review status: criteria provided, single submitter. Criteria: ACMG Guidelines, 2015. Collection method: clinical testing. Allele origin: germline.

Institute of Human Genetics, Univ. Regensburg, Univ. Regensburg
Classification: Uncertain significance for Retinal dystrophy. Last evaluated: 2021-01-01. Review status: no assertion criteria provided. Criteria: ACMG Guidelines, 2015. Collection method: clinical testing. Allele origin: germline. Affected: yes. Not counted in ClinVar's aggregate classification.

NM_001563.4(IMPG1):c.802C>A (p.Leu268Ile)

Gene: IMPG1 (interphotoreceptor matrix proteoglycan 1; minus strand). Cytogenetic location: 6q14.1.
Variant type: single nucleotide variant.
Coding change: c.802C>A on transcript NM_001563.4 (MANE Select); coding-DNA position 802, C replaced by A.
Protein change: p.Leu268Ile; replaces leucine 268 with isoleucine.
Molecular consequence: missense variant.
Genome position (GRCh38, 1-based): chr6:76,018,723, G>T on the plus strand (C>A on the coding strand, the complement: IMPG1 is on the minus strand). VCF-style: chr6-76018723-G-T. GRCh37 (hg19) VCF-style: chr6-76728440-G-T.
Other names: c.802C>A (NM_001563.2); c.568C>A, p.Leu190Ile (NM_001282368.2); short protein forms L268I, L190I.
Identifiers: ClinVar variation 959966 (VCV000959966.13), dbSNP rs756720530, ClinGen allele CA3898335.
Genomic context (GRCh38, chr6:76,018,723, plus strand): 5'-CTCCCACCTCTCAGTCACAGCTTGAGGTGTGGTTGTATGGGCCGGGTCTACTCACCTGAA[G>T]TTGGGACTTTCCTGCTAGCTCCTGGTAATATGGGGACTGGGAGTCAGCGAGCTCTGCCTT-3'
Protein context (NP_001554.2, residues 258-278): YYQELAGKSQ[Leu268Ile]QMQKIFKKLP